The following is an entry in ClinVar:

NM_005896.4(IDH1):c.1181C>T (p.Thr394Ile)

Gene: IDH1 (isocitrate dehydrogenase (NADP(+)) 1; minus strand). Cytogenetic location: 2q34.
Variant type: single nucleotide variant.
Coding change: c.1181C>T on transcript NM_005896.4 (MANE Select); coding-DNA position 1181, C replaced by T.
Protein change: p.Thr394Ile; replaces threonine 394 with isoleucine.
Molecular consequence: missense variant.
Genome position (GRCh38, 1-based): chr2:208,237,143, G>A on the plus strand (C>T on the coding strand, the complement: IDH1 is on the minus strand). VCF-style: chr2-208237143-G-A. GRCh37 (hg19) VCF-style: chr2-209101867-G-A.
Other names: c.1181C>T, p.Thr394Ile (NM_001282386.1, NM_001282387.1); short protein forms T394I.
Identifiers: ClinVar variation 2491833 (VCV002491833.2), dbSNP rs2469010488, ClinGen allele CA350093620.

ClinVar aggregate classification (germline): Uncertain significance (1 of 4 stars; one submission).

Submission:

Ambry Genetics
Classification: Uncertain significance. Last evaluated: 2022-11-15. Review status: criteria provided, single submitter. Criteria: Ambry Variant Classification Scheme 2023. Collection method: clinical testing. Allele origin: germline.
Comment: The p.T394I variant (also known as c.1181C>T), located in coding exon 8 of the IDH1 gene, results from a C to T substitution at nucleotide position 1181. The threonine at codon 394 is replaced by isoleucine, an amino acid with similar properties. This amino acid position is conserved. In addition, this alteration is predicted to be deleterious by in silico analysis. Since supporting evidence is limited at this time, the clinical significance of this alteration remains unclear.